The following is an entry in ClinVar:

ClinVar aggregate classification (germline): Uncertain significance. Review status: criteria provided, multiple submitters, no conflicts (2 of 4 stars). 2 submissions from 2 submitters: Uncertain significance (2). Last evaluated 2025-04-21.

Conditions:
Inborn genetic diseases. Identifiers: MedGen C0950123, MeSH D030342.

Allele frequency attached by ClinVar (database versions not stated): 1000 Genomes Project 30x 0.00016.
gnomAD v4.1: 8 of 1,536,846 alleles (0.00052%); highest among the groups gnomAD compares: Middle Eastern, 0.034%; no homozygotes.

Submissions (2):

Ambry Genetics
Classification: Uncertain significance for Inborn genetic diseases. Last evaluated: 2025-04-21. Review status: criteria provided, single submitter. Criteria: Ambry Variant Classification Scheme 2023. Collection method: clinical testing. Allele origin: germline.

Labcorp Genetics (formerly Invitae), Labcorp
Classification: Uncertain significance. Last evaluated: 2023-10-23. Review status: criteria provided, single submitter. Criteria: Invitae Variant Classification Sherloc (09022015). Collection method: clinical testing. Allele origin: germline.
Comment: This sequence change replaces proline, which is neutral and non-polar, with leucine, which is neutral and non-polar, at codon 40 of the MAGEL2 protein (p.Pro40Leu). This variant is present in population databases (no rsID available, gnomAD 0.004%). This variant has not been reported in the literature in individuals affected with MAGEL2-related conditions. ClinVar contains an entry for this variant (Variation ID: 2172721). Experimental studies and prediction algorithms are not available or were not evaluated, and the functional significance of this variant is currently unknown. In summary, the available evidence is currently insufficient to determine the role of this variant in disease. Therefore, it has been classified as a Variant of Uncertain Significance.

NM_019066.5(MAGEL2):c.119C>T (p.Pro40Leu)

Gene: MAGEL2 (MAGE family member L2; minus strand). Cytogenetic location: 15q11.2.
Variant type: single nucleotide variant.
Coding change: c.119C>T on transcript NM_019066.5 (MANE Select); coding-DNA position 119, C replaced by T.
Protein change: p.Pro40Leu; replaces proline 40 with leucine.
Molecular consequence: missense variant.
Genome position (GRCh38, 1-based): chr15:23,647,624, G>A on the plus strand (C>T on the coding strand, the complement: MAGEL2 is on the minus strand). VCF-style: chr15-23647624-G-A. GRCh37 (hg19) VCF-style: chr15-23892771-G-A.
Other names: c.119C>T (NM_019066.4); short protein forms P40L.
Identifiers: ClinVar variation 2172721 (VCV002172721.5), dbSNP rs1345096812, ClinGen allele CA391337880.